The following is an entry in ClinVar:

ClinVar aggregate classification (germline): Uncertain significance. Review status: criteria provided, multiple submitters, no conflicts (2 of 4 stars). 2 submissions from 2 submitters: Uncertain significance (2). Last evaluated 2025-09-26.

Conditions:
Inborn genetic diseases. Identifiers: MedGen C0950123, MeSH D030342.

Submissions (2):

Ambry Genetics
Classification: Uncertain significance for Inborn genetic diseases. Last evaluated: 2025-09-26. Review status: criteria provided, single submitter. Criteria: Ambry Variant Classification Scheme 2023. Collection method: clinical testing. Allele origin: germline.
Comment: The p.R377I variant (also known as c.1130G>T), located in coding exon 1 of the SAMD9L gene, results from a G to T substitution at nucleotide position 1130. The arginine at codon 377 is replaced by isoleucine, an amino acid with similar properties. This amino acid position is conserved. In addition, this alteration is predicted to be tolerated by in silico analysis. Based on the available evidence, the clinical significance of this variant remains unclear.

GeneDx
Classification: Uncertain significance. Last evaluated: 2022-12-20. Review status: criteria provided, single submitter. Criteria: GeneDx Variant Classification Process June 2021. Collection method: clinical testing. Allele origin: germline. Affected: yes.
Comment: Not observed at significant frequency in large population cohorts (gnomAD); In silico analysis supports that this missense variant has a deleterious effect on protein structure/function; Has not been previously published as pathogenic or benign to our knowledge

NM_152703.5(SAMD9L):c.1130G>T (p.Arg377Ile)

Gene: SAMD9L (sterile alpha motif domain containing 9 like; minus strand). Cytogenetic location: 7q21.2.
Variant type: single nucleotide variant.
Coding change: c.1130G>T on transcript NM_152703.5 (MANE Select); coding-DNA position 1130, G replaced by T.
Protein change: p.Arg377Ile; replaces arginine 377 with isoleucine.
Molecular consequence: missense variant.
Genome position (GRCh38, 1-based): chr7:93,134,842, C>A on the plus strand (G>T on the coding strand, the complement: SAMD9L is on the minus strand). VCF-style: chr7-93134842-C-A. GRCh37 (hg19) VCF-style: chr7-92764155-C-A.
Other names: c.1130G>T, p.Arg377Ile (NM_001303496.3, NM_001303497.3, NM_001303498.3 and 5 more transcripts); c.1130G>T (NM_152703.2); short protein forms R377I.
Identifiers: ClinVar variation 2506623 (VCV002506623.2), dbSNP rs1345325749, ClinGen allele CA368198650.
Genomic context (GRCh38, chr7:93,134,842, plus strand): 5'-TTTAGTCCTTCACTCTCCTTCTTCATTGCCTTCATTCCATACTCTTCTTCAGCCTCTTTT[C>A]TAGATGCTACCAGTGACTTTAAATTTTGTAAAAATGCCTTGAAATCTACATCCCGTTGCT-3'
Protein context (NP_689916.2, residues 367-387): LQNLKSLVAS[Arg377Ile]KEAEEEYGMK